The following is an entry in ClinVar:

ClinVar aggregate classification (germline): Uncertain significance. Review status: criteria provided, multiple submitters, no conflicts (2 of 4 stars). 3 submissions from 3 submitters: Uncertain significance (3). Last evaluated 2025-11-30.

Conditions:
Cardiovascular phenotype. Identifiers: MedGen CN230736.
Brugada syndrome 8 (BRGDA8). Identifiers: Orphanet 130, MedGen C2751083, MONDO:0013148, OMIM 613123.

Allele frequency attached by ClinVar (database versions not stated): TOPMed 0.00006; gnomAD 0.00007 and 0.00006; ESP Exome Variant Server 0.00015; gnomAD exomes 0.00004; ExAC 0.00005.

Submissions (3):

Labcorp Genetics (formerly Invitae), Labcorp
Classification: Uncertain significance for Brugada syndrome 8. Last evaluated: 2025-11-30. Review status: criteria provided, single submitter. Criteria: Invitae Variant Classification Sherloc (09022015). Collection method: clinical testing. Allele origin: germline.
Comment: This sequence change replaces arginine, which is basic and polar, with glutamine, which is neutral and polar, at codon 332 of the HCN4 protein (p.Arg332Gln). This variant is present in population databases (rs368164073, gnomAD 0.01%). This missense change has been observed in individual(s) with Brugada syndrome (PMID: 31737537). ClinVar contains an entry for this variant (Variation ID: 519261). Invitae Evidence Modeling of protein sequence and biophysical properties (such as structural, functional, and spatial information, amino acid conservation, physicochemical variation, residue mobility, and thermodynamic stability) indicates that this missense variant is not expected to disrupt HCN4 protein function with a negative predictive value of 95%. In summary, the available evidence is currently insufficient to determine the role of this variant in disease. Therefore, it has been classified as a Variant of Uncertain Significance.

Ambry Genetics
Classification: Uncertain significance for Cardiovascular phenotype. Last evaluated: 2024-04-15. Review status: criteria provided, single submitter. Criteria: Ambry Variant Classification Scheme 2023. Collection method: clinical testing. Allele origin: germline.
Comment: The p.R332Q variant (also known as c.995G>A), located in coding exon 2 of the HCN4 gene, results from a G to A substitution at nucleotide position 995. The arginine at codon 332 is replaced by glutamine, an amino acid with highly similar properties. This variant was detected in a cohort referred for arrhythmia or cardiomyopathy genetic testing; however, details were limited (Marschall C. Cardiovasc Diagn Ther. 2019 Oct;9(Suppl 2):S292-S298). This amino acid position is not well conserved in available vertebrate species, and glutamine is the reference amino acid in other vertebrate species. In addition, this alteration is predicted to be tolerated by in silico analysis. Since supporting evidence is limited at this time, the clinical significance of this alteration remains unclear.

CeGaT Center for Human Genetics Tuebingen
Classification: Uncertain significance. Last evaluated: 2020-08-01. Review status: criteria provided, single submitter. Criteria: CeGaT Center For Human Genetics Tuebingen Variant Classification Criteria Version 2. Collection method: clinical testing. Allele origin: germline. Affected: yes. Observed: 2 variant alleles.

Literature cited by the submitters: PubMed 31737537 (cited by Labcorp Genetics (formerly Invitae), Labcorp and Ambry Genetics).

NM_005477.3(HCN4):c.995G>A (p.Arg332Gln)

Genes: HCN4 (hyperpolarization activated cyclic nucleotide gated potassium channel 4; minus strand), LOC105370890 (uncharacterized LOC105370890; plus strand), LOC126862173 (CDK7 strongly-dependent group 2 enhancer GRCh37_chr15:73635762-73636961; plus strand). Cytogenetic location: 15q24.1.
Variant type: single nucleotide variant.
Coding change: c.995G>A on transcript NM_005477.3 (MANE Select); coding-DNA position 995, G replaced by A.
Protein change: p.Arg332Gln; replaces arginine 332 with glutamine.
Molecular consequence: missense variant.
Genome position (GRCh38, 1-based): chr15:73,343,599, C>T on the plus strand (G>A on the coding strand, the complement: HCN4 is on the minus strand). VCF-style: chr15-73343599-C-T. GRCh37 (hg19) VCF-style: chr15-73635940-C-T.
Other names: short protein forms R332Q.
Identifiers: ClinVar variation 519261 (VCV000519261.55), dbSNP rs368164073, ClinGen allele CA7649384.
Genomic context (GRCh38, chr15:73,343,599, plus strand): 5'-ACGGGGATGGAGGAAATGAAATCTACCATGAACCAGCTTTTCAGGTACTTCATTTTAATC[C>T]GCTGCGGGTCCAGGATGATCTCTGTGTTGTCCTCCACCACGATCCCTGTGCGGAAGTTGA-3'
Protein context (NP_005468.1, residues 322-342): DNTEIILDPQ[Arg332Gln]IKMKYLKSWF